The following is an entry in ClinVar:

NM_182914.3(SYNE2):c.15290T>A (p.Leu5097His)

Gene: SYNE2 (spectrin repeat containing nuclear envelope protein 2; plus strand). Cytogenetic location: 14q23.2.
Variant type: single nucleotide variant.
Coding change: c.15290T>A on transcript NM_182914.3 (MANE Select); coding-DNA position 15290, T replaced by A.
Protein change: p.Leu5097His; replaces leucine 5097 with histidine.
Molecular consequence: missense variant.
Genome position (GRCh38, 1-based): chr14:64,142,072, T>A. VCF-style: chr14-64142072-T-A. GRCh37 (hg19) VCF-style: chr14-64608790-T-A.
Other names: c.15290T>A, p.Leu5097His (NM_015180.6); short protein forms L5097H.
Identifiers: ClinVar variation 2078168 (VCV002078168.4), dbSNP rs1172689221, ClinGen allele CA389943235.
Genomic context (GRCh38, chr14:64,142,072, plus strand): 5'-ATCAAACTTCAGATGAAGACTCCGTGCATTCACCAAGTTCTGCATCTCAAGTTAAACATC[T>A]TCTTCAGAAGCACAAGGTAATTATGCAAAAGGAGCAGAAGTCTTTTCATTGAAACAAGAA-3'
Protein context (NP_878918.2, residues 5087-5107): SPSSASQVKH[Leu5097His]LQKHKEFRME

ClinVar aggregate classification (germline): Uncertain significance (1 of 4 stars; one submission).

Conditions:
Emery-Dreifuss muscular dystrophy 5, autosomal dominant (EDMD5). Also called: EMERY-DREIFUSS MUSCULAR DYSTROPHY 5. Identifiers: Orphanet 261, MedGen C2751805, MONDO:0013072, OMIM 612999.

Allele frequency attached by ClinVar (database versions not stated): gnomAD exomes below 0.00001.
gnomAD v4.1: 1 of 1,611,958 alleles (0.000062%); highest among the groups gnomAD compares: East Asian, 0.0022%; no homozygotes.

Submission:

Labcorp Genetics (formerly Invitae), Labcorp
Classification: Uncertain significance for Emery-Dreifuss muscular dystrophy 5, autosomal dominant. Last evaluated: 2023-07-28. Review status: criteria provided, single submitter. Criteria: Invitae Variant Classification Sherloc (09022015). Collection method: clinical testing. Allele origin: germline.
Comment: Algorithms developed to predict the effect of missense changes on protein structure and function output the following: SIFT: "Not Available"; PolyPhen-2: "Probably Damaging"; Align-GVGD: "Not Available". The histidine amino acid residue is found in multiple mammalian species, which suggests that this missense change does not adversely affect protein function. In summary, the available evidence is currently insufficient to determine the role of this variant in disease. Therefore, it has been classified as a Variant of Uncertain Significance. ClinVar contains an entry for this variant (Variation ID: 2078168). This sequence change replaces leucine, which is neutral and non-polar, with histidine, which is basic and polar, at codon 5097 of the SYNE2 protein (p.Leu5097His). This variant is not present in population databases (gnomAD no frequency). This variant has not been reported in the literature in individuals affected with SYNE2-related conditions.